The following is an entry in ClinVar:

NM_005612.5(REST):c.2484_2485dup (p.Glu829fs)

Gene: REST (RE1 silencing transcription factor; plus strand). Cytogenetic location: 4q12.
Variant type: Duplication.
Coding change: c.2484_2485dup on transcript NM_005612.5 (MANE Select); coding-DNA positions 2484 to 2485, 2 bases duplicated (TG; older notation c.2484_2485dupTG).
Protein change: p.Glu829fs; shifts the reading frame from glutamic acid 829.
Molecular consequence: frameshift variant.
Genome position (GRCh38, 1-based): chr4:56,931,342-56,931,343, TG duplicated; duplicating any 2 consecutive bases within chr4:56,931,341-56,931,343 gives the same sequence; the c. name uses the placement nearest the transcript's 3' end. VCF-style (leftmost placement, unchanged base first): chr4-56931340-A-AGT. GRCh37 (hg19) VCF-style: chr4-57797506-A-AGT.
Other names: c.2484_2485dup, p.Glu829Valfs (NM_001193508.2, NM_001363453.3); short protein forms E829fs.
Identifiers: ClinVar variation 2767364 (VCV002767364.3), dbSNP rs2475853258, ClinGen allele CA2697546749.

ClinVar aggregate classification (germline): Uncertain significance (1 of 4 stars; one submission).

Submission:

Labcorp Genetics (formerly Invitae), Labcorp
Classification: Uncertain significance. Last evaluated: 2023-10-10. Review status: criteria provided, single submitter. Criteria: Invitae Variant Classification Sherloc (09022015). Collection method: clinical testing. Allele origin: germline.
Comment: This sequence change creates a premature translational stop signal (p.Glu829Valfs*15) in the REST gene. While this is not anticipated to result in nonsense mediated decay, it is expected to disrupt the last 269 amino acid(s) of the REST protein. This variant is not present in population databases (gnomAD no frequency). This variant has not been reported in the literature in individuals affected with REST-related conditions. Experimental studies and prediction algorithms are not available or were not evaluated, and the functional significance of this variant is currently unknown. In summary, the available evidence is currently insufficient to determine the role of this variant in disease. Therefore, it has been classified as a Variant of Uncertain Significance.